The following is an entry in ClinVar:

ClinVar aggregate classification (germline): Uncertain significance (1 of 4 stars; one submission).

Submission:

GeneDx
Classification: Uncertain significance. Last evaluated: 2022-12-12. Review status: criteria provided, single submitter. Criteria: GeneDx Variant Classification Process June 2021. Collection method: clinical testing. Allele origin: germline. Affected: yes.
Comment: Not observed at significant frequency in large population cohorts (gnomAD); In silico analysis supports that this missense variant has a deleterious effect on protein structure/function; Has not been previously published as pathogenic or benign to our knowledge

NM_004184.4(WARS1):c.713T>A (p.Leu238Gln)

Gene: WARS1 (tryptophanyl-tRNA synthetase 1; minus strand). Cytogenetic location: 14q32.2.
Variant type: single nucleotide variant.
Coding change: c.713T>A on transcript NM_004184.4 (MANE Select); coding-DNA position 713, T replaced by A.
Protein change: p.Leu238Gln; replaces leucine 238 with glutamine.
Molecular consequence: missense variant.
Genome position (GRCh38, 1-based): chr14:100,353,699, A>T on the plus strand (T>A on the coding strand, the complement: WARS1 is on the minus strand). VCF-style: chr14-100353699-A-T. GRCh37 (hg19) VCF-style: chr14-100820036-A-T.
Other names: c.713T>A, p.Leu238Gln (NM_173701.2); c.590T>A, p.Leu197Gln (NM_213645.2, NM_213646.2); short protein forms L197Q, L238Q.
Identifiers: ClinVar variation 2504782 (VCV002504782.1), dbSNP rs2549264833, ClinGen allele CA390980935.